The following is an entry in ClinVar:

ClinVar aggregate classification (germline): Likely benign (3 of 4 stars; one submission).

Conditions:
Open-angle glaucoma. Identifiers: MedGen C0017612, MONDO:0005338, HP:0012108.

Allele frequency attached by ClinVar (database versions not stated): gnomAD 0.00001; ExAC 0.00003.
gnomAD v4.1: 14 of 1,614,036 alleles (0.00087%); highest among the groups gnomAD compares: South Asian, 0.015%; no homozygotes.

Submission:

ClinGen Glaucoma Variant Curation Expert Panel
Classification: Likely benign for Open-angle glaucoma. Last evaluated: 2026-04-08. Review status: reviewed by expert panel. Criteria: ClinGen Glaucoma ACMG Specifications V2.0.0 Approved. Collection method: curation. Allele origin: germline. Inheritance: Autosomal dominant inheritance.
Comment: The c.1185T>G variant in MYOC is a missense variant predicted to cause substitution of Aspartic Acid by Glutamic Acid at amino acid 395 (p.Asp395Glu). The highest minor allele frequency of this variant was in the South Asian genetic ancestry group of gnomAD (v4.1.0) = 0.0001537 (14 alleles out of 91,084), which did not meet the PM2_Supporting allele frequency threshold (≤ 0.0001) or the BS1 allele frequency threshold (≥ 0.001). The REVEL score = 0.131, which was within the 0.017-0.183 range for BP4_Moderate, suggesting that the variant does not impact MYOC function. There was no functional evidence predicting a damaging or benign impact of this variant on MYOC function. Although probands with primary open angle glaucoma have been reported carrying this variant, PM2_Supporting was not met, therefore PS4 did not apply. In summary, this variant met the criteria to receive a score of -2 and to be classified as likely benign (likely benign classification range -2 to -6, adapted from PMID: 32720330) for primary open angle glaucoma based on the ACMG/AMP criteria met, as specified by the ClinGen Glaucoma VCEP (v2.0.0, 5 Dec 2024): BP4_Moderate

NM_000261.2(MYOC):c.1185T>G (p.Asp395Glu)

Gene: MYOC (myocilin; minus strand). Cytogenetic location: 1q24.3.
Variant type: single nucleotide variant.
Coding change: c.1185T>G on transcript NM_000261.2 (MANE Select); coding-DNA position 1185, T replaced by G.
Protein change: p.Asp395Glu; replaces aspartic acid 395 with glutamic acid.
Molecular consequence: missense variant.
Genome position (GRCh38, 1-based): chr1:171,636,255, A>C on the plus strand (T>G on the coding strand, the complement: MYOC is on the minus strand). VCF-style: chr1-171636255-A-C. GRCh37 (hg19) VCF-style: chr1-171605395-A-C.
Other names: NM_000261.2:c.1185T>G; short protein forms D395E.
Identifiers: ClinVar variation 2570619 (VCV002570619.3), dbSNP rs765809047, ClinGen allele CA1244068.
Genomic context (GRCh38, chr1:171,636,255, plus strand): 5'-TTGTTCGAGTTCCAGATTCTCTGGGTTCAGTTTGGAGAGGACAATGGCACCTTTGGCCTC[A>C]TCGGTGCTGTAAATGACCCAGAGGCCTGCTTCATCCACAGCCAAGTCAATGTCCGTGTAG-3'
Protein context (NP_000252.1, residues 385-405): EAGLWVIYST[Asp395Glu]EAKGAIVLSK